The following continues an entry in ClinVar:

NM_002524.5(NRAS):c.182A>G (p.Gln61Arg)

Gene: NRAS. ClinVar aggregate classification (germline): Pathogenic. Pathogenic (8). ClinVar aggregate classification (somatic clinical impact): Tier I - Strong. ClinVar aggregate classification (oncogenicity): Oncogenic.

Submissions 6 to 22 of 23:

Clinical Genomics Laboratory, Washington University in St. Louis
Classification: Pathogenic for Vascular malformation. Last evaluated: 2024-10-31. Review status: criteria provided, single submitter. Criteria: Leon-Quintero et al. (Clin Genet. 2025). Collection method: clinical testing. Allele origin: somatic. Affected: yes.
Comment: An NRAS c.182A>G (p.Gln61Arg) variant was identified at an allelic fraction consistent with somatic origin. This variant has been reported in multiple individuals with vascular malformations (Manevitz-Mendelson E et al., PMID: 29397482; Pereira-Nunes J et al., PMID: 37148180; Chowers G et al., PMID: 35246606; Ozeki M et al., PMID: 31511039; Barclay SF., PMID: 30542204). This variant has been reported in the ClinVar database as a pathogenic variant in both a somatic and a germline state by multiple submitters, including our laboratory (ClinVar Variation ID: 13900), and in multiple samples in the cancer database COSMIC (Genomic Mutation ID: COSV54736340). This variant is absent from the general population (gnomAD v4.1.0), indicating it is not a common variant. The NRAS c.182A>G (p.Gln61Arg) variant resides within a GTP-binding site of NRAS that is defined as a critical function domain (Scheffzek K et al., PMID: 9219684). Computational predictors indicate that the variant is damaging, evidence that correlates with impact on NRAS function. In support of this prediction, functional studies show that when this variant is transduced into the immortalized Nthy-ori 3-1 cell line, this leads to increased anchorage-independent cell growth in soft agar relative to cells with wildtype NRAS (Demin DE et al., PMID: 31228933). The NRAS gene is defined by the ClinGen's RASopathy expert panel as a gene that has a low rate of benign missense variation and where pathogenic missense variants are a common mechanism of disease (Gelb BD et al., PMID: 29493581). Another variant in the same codon, c.181C>A (p.Gln61Lys), has been reported and is considered pathogenic (ClinVar Variation ID: 73058). Based on available information and an internally developed protocol informed by the ACMG/AMP guidelines for variant interpretation and gene-specific practices from the ClinGen Criteria Specification Registry (Leon-Quintero FZ et al., PMID: 39434542), the NRAS c.182A>G (p.Gln61Arg) variant is classified as pathogenic.

Genomic Medicine Center of Excellence, King Faisal Specialist Hospital and Research Centre
Classification: Pathogenic for Noonan syndrome 6. Last evaluated: 2024-10-07. Review status: criteria provided, single submitter. Criteria: ACMG Guidelines, 2015. Collection method: clinical testing. Allele origin: germline.

Institute for Genomic Medicine (IGM) Clinical Laboratory, Nationwide Children's Hospital
Classification: Tier I - Strong for Follicular thyroid carcinoma. Assertion type: diagnostic. Clinical significance: supports diagnosis. Last evaluated: 2024-08-14. Review status: criteria provided, single submitter. Criteria: AMP/ASCO/CAP Guidelines, 2017. Collection method: clinical testing. Allele origin: somatic. Affected: yes.
Comment: Variant has Tier I (strong) clinical significance as a diagnostic inclusion criterion in thyroid gland follicular carcinoma, based on the following evidence: 1) Documented in one or more cancer databases (e.g., St. Jude Pecan, COSMIC, CIViC, OncoKB). 2) Appears in one or more well-established professional guidelines (e.g., World Health Organization [WHO]; National Comprehensive Cancer Network [NCCN]) as providing diagnostic, prognostic, or therapeutic information. 3) Information in the literature supports potential biologic effect of variant (PMIDs: 25252692, 35391614, 35944066). 4) Diagnostic for a specific tumor type/classification based on well-powered studies with expert-level consensus (Evidence Level B; PMIDs: 12788883, 31077238, 27494611, 29726952, 22650231, 28864536, 12727991, 24820091).

Institute for Genomic Medicine (IGM) Clinical Laboratory, Nationwide Children's Hospital
Classification: Tier I - Strong for Melanoma. Assertion type: diagnostic. Clinical significance: supports diagnosis. Last evaluated: 2024-08-13. Review status: criteria provided, single submitter. Criteria: AMP/ASCO/CAP Guidelines, 2017. Collection method: clinical testing. Allele origin: somatic. Affected: yes.
Comment: Variant has Tier I (strong) clinical significance as a diagnostic inclusion criterion in melanoma, based on the following evidence: 1) Documented in one or more cancer databases (e.g., St. Jude Pecan, COSMIC, CIViC, OncoKB). 2) Appears in one or more well-established professional guidelines (e.g., World Health Organization [WHO]; National Comprehensive Cancer Network [NCCN]) as providing diagnostic, prognostic, or therapeutic information. 3) Information in the literature supports potential biologic effect of variant (PMIDs: 35391614, 25252692, 30287508, 22589270). 4) Diagnostic for a specific tumor type/classification based on well-powered studies with expert-level consensus (Evidence Level B).

GeneDx
Classification: Pathogenic. Last evaluated: 2023-09-18. Review status: criteria provided, single submitter. Criteria: GeneDx Variant Classification Process June 2021. Collection method: clinical testing. Allele origin: germline. Affected: yes.
Comment: Published functional studies demonstrate increased levels of Nras-GTP (Kong et al., 2016) and constitutive activation of the MAPK pathway (Demin et al., 2019); Not observed at significant frequency in large population cohorts (gnomAD); The majority of missense variants in this gene are considered pathogenic (HGMD); In silico analysis supports that this missense variant has a deleterious effect on protein structure/function; This variant is associated with the following publications: (PMID: 6587382, 14508525, 19880792, 25142146, 22773810, 1654209, 29883661, 18633438, 23392294, 24006476, 20526288, 24077912, 27109513, 31228933, 23855428, 22237106, 17910045)

Institute for Genomic Medicine (IGM) Clinical Laboratory, Nationwide Children's Hospital
Classification: Tier I - Strong for Germinoma. Assertion type: diagnostic. Clinical significance: supports diagnosis. Last evaluated: 2023-03-28. Review status: criteria provided, single submitter. Criteria: AMP/ASCO/CAP Guidelines, 2017. Collection method: clinical testing. Allele origin: somatic. Affected: yes.
Comment: Variant has Tier I (strong) clinical significance as a diagnostic inclusion criterion in germinoma, based on the following evidence: 1) Documented in one or more cancer databases (e.g., St. Jude Pecan, COSMIC, CIViC, OncoKB). 2) Appears in one or more well-established professional guidelines (e.g., World Health Organization [WHO]; National Comprehensive Cancer Network [NCCN]) as providing diagnostic, prognostic, or therapeutic information. 3) Information in the literature supports potential biologic effect of variant (PMIDs: 35944066, 35391614, 25252692, 27664710). 4) Diagnostic for a specific tumor type/classification based on well-powered studies with expert-level consensus (Evidence Level B; PMIDs: 24896186, 27391150, 24452629).

Clinical Laboratory Sciences Program (CLSP), King Saud bin Abdulaziz University for Health Sciences (KSAU-HS)
Classification: Pathogenic for Colorectal cancer. Last evaluated: 2023-01-01. Review status: criteria provided, single submitter. Criteria: ACMG Guidelines, 2015. Collection method: clinical testing. Allele origin: germline. Affected: yes.
Comment: PS3, PM1, PM5, PP3, PP5, PM2

Seattle Children's Hospital Molecular Genetics Laboratory, Seattle Children's Hospital
Classification: Pathogenic. Last evaluated: 2021-09-03. Review status: criteria provided, single submitter. Criteria: ACMG Guidelines, 2015. Collection method: clinical testing. Allele origin: somatic. Affected: yes. Observed: 2 variant alleles.
Comment: This is a recurrent pathogenic variant that has been reported previously in multiple individuals with kaposiform lymphangiomatosis (KLA), as well as an individual with a generalized lymphatic anomaly (GLA), also known as diffuse lymphangiomatosis (PMID: 30542204, PMID: 31511039, PMID: 29397482). This change is also reported as an oncogenic variant found in multiple tumor types, especially melanoma (COSMIC and cBioPortal Databases). This variant is not present in large population cohorts (Genome Aggregation Database v2.1.1). The p.Gln61Arg variant leads to constitutive activation of the NRAS protein (PMID: 30542204, PMID: 29397482).

Blueprint Genetics
Classification: Pathogenic for NRAS-related disorders. Last evaluated: 2020-06-26. Review status: criteria provided, single submitter. Criteria: ACMG Guidelines, 2015. Collection method: clinical testing. Allele origin: germline. Affected: yes. Observed: 1 variant allele.

Laboratory for Molecular Medicine, Mass General Brigham Personalized Medicine
Classification: Pathogenic for Non-small cell lung carcinoma. Last evaluated: 2011-08-12. Review status: criteria provided, single submitter. Criteria: LMM Criteria. Collection method: clinical testing. Allele origin: somatic. Observed: 2 variant alleles.

OMIM
Classification: Pathogenic for THYROID CARCINOMA, FOLLICULAR, SOMATIC. Last evaluated: 2014-01-15. Review status: no assertion criteria provided. Collection method: literature only. Allele origin: somatic. Not counted in ClinVar's aggregate classification.

OMIM
Classification: Pathogenic for EPIDERMAL NEVUS, SOMATIC. Last evaluated: 2014-01-15. Review status: no assertion criteria provided. Collection method: literature only. Allele origin: somatic. Not counted in ClinVar's aggregate classification.

OMIM
Classification: Pathogenic for MELANOCYTIC NEVUS SYNDROME, CONGENITAL, SOMATIC. Last evaluated: 2014-01-15. Review status: no assertion criteria provided. Collection method: literature only. Allele origin: somatic. Not counted in ClinVar's aggregate classification.

OMIM
Classification: Pathogenic for NEUROCUTANEOUS MELANOSIS, SOMATIC. Last evaluated: 2014-01-15. Review status: no assertion criteria provided. Collection method: literature only. Allele origin: somatic. Not counted in ClinVar's aggregate classification.

OMIM
Classification: Pathogenic for SCHIMMELPENNING-FEUERSTEIN-MIMS SYNDROME, SOMATIC MOSAIC. Last evaluated: 2014-01-15. Review status: no assertion criteria provided. Collection method: literature only. Allele origin: somatic. Not counted in ClinVar's aggregate classification.

Anatomical Molecular Laboratory, Singapore General Hospital
Classification: Likely oncogenic for Nodal T-follicular helper cell lymphoma. Review status: no assertion criteria provided. Collection method: clinical testing. Allele origin: somatic. Affected: yes. Observed: 1 variant allele. Not counted in ClinVar's aggregate classification.
Comment: Functional studies have shown that this variant leads to an increase in GTP-bound NRAS resulting in increased MAPK signaling and cell transformation (PMID: 16818621, PMID: 34117033). The NRAS Q61R mutation has been described to sensitize cells towards sorafenib in cutaneous T cell lymphoma (PMID: 28537899).

Clinical Genetics DNA and cytogenetics Diagnostics Lab, Erasmus MC, Erasmus Medical Center
Classification: Pathogenic. Review status: no assertion criteria provided. Collection method: clinical testing. Allele origin: germline. Affected: yes. Study: VKGL Data-share Consensus. Not counted in ClinVar's aggregate classification.